The following is an entry in ClinVar:

NM_017612.5(ZCCHC8):c.227T>C (p.Ile76Thr)

Gene: ZCCHC8 (zinc finger CCHC-type containing 8; minus strand). Cytogenetic location: 12q24.31.
Variant type: single nucleotide variant.
Coding change: c.227T>C on transcript NM_017612.5 (MANE Select); coding-DNA position 227, T replaced by C.
Protein change: p.Ile76Thr; replaces isoleucine 76 with threonine.
Molecular consequence: missense variant. On other transcripts: 5 prime UTR variant (2), intron variant (1).
Genome position (GRCh38, 1-based): chr12:122,498,842, A>G on the plus strand (T>C on the coding strand, the complement: ZCCHC8 is on the minus strand). VCF-style: chr12-122498842-A-G. GRCh37 (hg19) VCF-style: chr12-122983389-A-G.
Other names: c.227T>C, p.Ile76Thr (NM_001350935.2); c.-318T>C (NM_001350937.2); c.-212T>C (NM_001350938.2); c.-56+1131T>C (NM_001350936.2); short protein forms I76T.
Identifiers: ClinVar variation 2976899 (VCV002976899.3), dbSNP rs374232921, ClinGen allele CA6846503.
Genomic context (GRCh38, chr12:122,498,842, plus strand): 5'-TAAATAATAAGGGACAACTATGGAGTAATTTCAAAAATCTCATACCTCGGTCGAGTCAGA[A>G]TGTTCAATTTTCGTTTAAGTTCTTGATGTTATTATTTGTTAAGGAAGATAAGCCCTCATT-3'
Protein context (NP_060082.2, residues 66-86): ENQELKRKLN[Ile76Thr]LTRPSGILVN

ClinVar aggregate classification (germline): Uncertain significance (1 of 4 stars; one submission).

Allele frequency attached by ClinVar (database versions not stated): gnomAD exomes 0.00001; ExAC 0.00003; ESP Exome Variant Server 0.00008; TOPMed 0.00010; gnomAD 0.00013.

Submission:

Labcorp Genetics (formerly Invitae), Labcorp
Classification: Uncertain significance. Last evaluated: 2024-03-18. Review status: criteria provided, single submitter. Criteria: Invitae Variant Classification Sherloc (09022015). Collection method: clinical testing. Allele origin: germline.
Comment: This sequence change replaces isoleucine, which is neutral and non-polar, with threonine, which is neutral and polar, at codon 76 of the ZCCHC8 protein (p.Ile76Thr). This variant is present in population databases (rs374232921, gnomAD 0.03%). This variant has not been reported in the literature in individuals affected with ZCCHC8-related conditions. Advanced modeling of protein sequence and biophysical properties (such as structural, functional, and spatial information, amino acid conservation, physicochemical variation, residue mobility, and thermodynamic stability) performed at Invitae indicates that this missense variant is not expected to disrupt ZCCHC8 protein function with a negative predictive value of 80%. In summary, the available evidence is currently insufficient to determine the role of this variant in disease. Therefore, it has been classified as a Variant of Uncertain Significance.